The following is an entry in ClinVar:

NM_013275.6(ANKRD11):c.6386A>G (p.Asp2129Gly)

Gene: ANKRD11 (ankyrin repeat domain 11; minus strand). Cytogenetic location: 16q24.3.
Variant type: single nucleotide variant.
Coding change: c.6386A>G on transcript NM_013275.6 (MANE Select); coding-DNA position 6386, A replaced by G.
Protein change: p.Asp2129Gly; replaces aspartic acid 2129 with glycine.
Molecular consequence: missense variant.
Genome position (GRCh38, 1-based): chr16:89,280,156, T>C on the plus strand (A>G on the coding strand, the complement: ANKRD11 is on the minus strand). VCF-style: chr16-89280156-T-C. GRCh37 (hg19) VCF-style: chr16-89346564-T-C.
Other names: c.6386A>G, p.Asp2129Gly (NM_001256182.2, NM_001256183.2); short protein forms D2129G.
Identifiers: ClinVar variation 4750301 (VCV004750301.1).

ClinVar aggregate classification (germline): Uncertain significance (1 of 4 stars; one submission).

Conditions:
KBG syndrome (KBGS). Also called: ANKRD11-Related KBG Syndrome. Identifiers: Orphanet 2332, MedGen C0220687, MONDO:0007846, OMIM 148050.

gnomAD v4.1: 1 of 1,610,838 alleles (0.000062%); no homozygotes.

Submission:

Labcorp Genetics (formerly Invitae), Labcorp
Classification: Uncertain significance for KBG syndrome. Last evaluated: 2025-11-15. Review status: criteria provided, single submitter. Criteria: Invitae Variant Classification Sherloc (09022015). Collection method: clinical testing. Allele origin: germline.
Comment: This sequence change replaces aspartic acid, which is acidic and polar, with glycine, which is neutral and non-polar, at codon 2129 of the ANKRD11 protein (p.Asp2129Gly). The frequency data for this variant in the population databases is considered unreliable, as metrics indicate poor data quality at this position in the gnomAD database. This variant has not been reported in the literature in individuals affected with ANKRD11-related conditions. Invitae Evidence Modeling of protein sequence and biophysical properties (such as structural, functional, and spatial information, amino acid conservation, physicochemical variation, residue mobility, and thermodynamic stability) indicates that this missense variant is not expected to disrupt ANKRD11 protein function with a negative predictive value of 95%. In summary, the available evidence is currently insufficient to determine the role of this variant in disease. Therefore, it has been classified as a Variant of Uncertain Significance.